The following is an entry in ClinVar:

NM_021076.4(NEFH):c.1973_1978del (p.Glu658_Glu659del)

Gene: NEFH (neurofilament heavy chain; plus strand). Cytogenetic location: 22q12.2.
Variant type: Deletion.
Coding change: c.1973_1978del on transcript NM_021076.4 (MANE Select); coding-DNA positions 1973 to 1978, 6 bases deleted (AAGAGG; older notation c.1973_1978delAAGAGG).
Protein change: p.Glu658_Glu659del.
Molecular consequence: inframe deletion.
Genome position (GRCh38, 1-based): chr22:29,489,613-29,489,618, AAGAGG deleted; deleting any 6 consecutive bases within chr22:29,489,610-29,489,618 gives the same sequence; the c. name uses the placement nearest the transcript's 3' end. VCF-style (leftmost placement, unchanged base first): chr22-29489609-AAGGAAG-A. GRCh37 (hg19) VCF-style: chr22-29885598-AAGGAAG-A.
Other names: c.1973_1978del6 (NM_021076.3).
Identifiers: ClinVar variation 1510303 (VCV001510303.10), dbSNP rs149571560, ClinGen allele CA10174315.

ClinVar aggregate classification (germline): Conflicting classifications of pathogenicity. Review status: criteria provided, conflicting classifications (1 of 4 stars). 3 submissions from 3 submitters: Uncertain significance (1); Likely benign (1). 1 of the submissions does not count toward it. Last evaluated 2025-09-19.

Conditions:
NEFH-related disorder. Also called: NEFH-related condition.
Inborn genetic diseases. Identifiers: MedGen C0950123, MeSH D030342.

Submissions (3):

Labcorp Genetics (formerly Invitae), Labcorp
Classification: Uncertain significance. Last evaluated: 2025-09-19. Review status: criteria provided, single submitter. Criteria: Invitae Variant Classification Sherloc (09022015). Collection method: clinical testing. Allele origin: germline.
Comment: This variant, c.1973_1978del, results in the deletion of 2 amino acid(s) of the NEFH protein (p.Glu658_Glu659del), but otherwise preserves the integrity of the reading frame. The frequency data for this variant in the population databases is considered unreliable, as metrics indicate poor data quality at this position in the gnomAD database. This variant has not been reported in the literature in individuals affected with NEFH-related conditions. ClinVar contains an entry for this variant (Variation ID: 1510303). Experimental studies and prediction algorithms are not available or were not evaluated, and the functional significance of this variant is currently unknown. In summary, the available evidence is currently insufficient to determine the role of this variant in disease. Therefore, it has been classified as a Variant of Uncertain Significance.

Ambry Genetics
Classification: Likely benign for Inborn genetic diseases. Last evaluated: 2021-07-23. Review status: criteria provided, single submitter. Criteria: Ambry Variant Classification Scheme 2023. Collection method: clinical testing. Allele origin: germline.

PreventionGenetics, part of Exact Sciences
Classification: Likely benign for NEFH-related condition. Last evaluated: 2022-09-20. Review status: no assertion criteria provided. Collection method: clinical testing. Allele origin: germline. Not counted in ClinVar's aggregate classification.
Comment: This variant is classified as likely benign based on ACMG/AMP sequence variant interpretation guidelines (Richards et al. 2015 PMID: 25741868, with internal and published modifications).